The following is an entry in ClinVar:

ClinVar aggregate classification (germline): Conflicting classifications of pathogenicity. Review status: criteria provided, conflicting classifications (1 of 4 stars). 13 submissions from 12 submitters: Uncertain significance (3); Benign (2); Likely benign (6). 2 of the submissions do not count toward it. Last evaluated 2026-09-01.

Conditions:
Joubert syndrome 9 (JBTS9). Identifiers: Orphanet 2318, MedGen C2676788, MONDO:0012849, OMIM 612285.
Meckel-Gruber syndrome. Also called: DYSENCEPHALIA SPLANCHNOCYSTICA; GRUBER SYNDROME; Dysencephalia splachnocystica. Identifiers: Orphanet 564, MedGen C0265215, MONDO:0018921.
Joubert syndrome. Also called: Familial aplasia of the vermis; JOUBERT-BOLTSHAUSER SYNDROME. Identifiers: Orphanet 475, MedGen C5979921, MONDO:0018772.
Meckel syndrome, type 6. Identifiers: Orphanet 564, MedGen C2676790, MONDO:0012848, OMIM 612284.

Allele frequency attached by ClinVar (database versions not stated): 1000 Genomes Project 30x 0.00094; 1000 Genomes Project 0.00100; TOPMed 0.00211.
gnomAD v4.1: 3,777 of 1,595,412 alleles (0.24%); highest among the groups gnomAD compares: Non-Finnish European, 0.26%; 8 homozygotes.

Submissions (13):

CeGaT Center for Human Genetics Tuebingen
Classification: Likely benign. Last evaluated: 2026-09-01. Review status: criteria provided, single submitter. Criteria: CeGaT Center For Human Genetics Tuebingen Variant Classification Criteria Version 2. Collection method: clinical testing. Allele origin: germline. Affected: yes. Observed: 10 variant alleles.
Comment: CC2D2A: BP4

Labcorp Genetics (formerly Invitae), Labcorp
Classification: Benign for Joubert syndrome; Meckel-Gruber syndrome. Last evaluated: 2026-02-02. Review status: criteria provided, single submitter. Criteria: Invitae Variant Classification Sherloc (09022015). Collection method: clinical testing. Allele origin: germline.

Mayo Clinic Laboratories, Mayo Clinic
Classification: Likely benign. Last evaluated: 2025-06-09. Review status: criteria provided, single submitter. Criteria: ACMG Guidelines, 2015. Collection method: clinical testing. Allele origin: germline. Observed: 4 variant alleles.
Comment: BS1, BP4

Blueprint Genetics
Classification: Likely benign. Last evaluated: 2024-11-05. Review status: criteria provided, single submitter. Criteria: ACMG Guidelines, 2015. Collection method: clinical testing. Allele origin: germline.

GeneDx
Classification: Likely benign. Last evaluated: 2020-08-05. Review status: criteria provided, single submitter. Criteria: GeneDx Variant Classification Process June 2021. Collection method: clinical testing. Allele origin: germline. Affected: yes.
Comment: This variant is associated with the following publications: (PMID: 25133751)

Genetic Services Laboratory, University of Chicago
Classification: Likely benign. Last evaluated: 2019-03-26. Review status: criteria provided, single submitter. Criteria: ACMG Guidelines, 2015. Collection method: clinical testing. Allele origin: germline. Affected: no.

Illumina Laboratory Services, Illumina
Classification: Uncertain significance for Meckel syndrome, type 6. Last evaluated: 2018-01-12. Review status: criteria provided, single submitter. Criteria: ICSL Variant Classification Criteria 13 December 2019. Collection method: clinical testing. Allele origin: germline.

Illumina Laboratory Services, Illumina
Classification: Uncertain significance for Joubert syndrome 9. Last evaluated: 2018-01-12. Review status: criteria provided, single submitter. Criteria: ICSL Variant Classification Criteria 13 December 2019. Collection method: clinical testing. Allele origin: germline.

Center for Pediatric Genomic Medicine, Children's Mercy Hospital and Clinics
Classification: Uncertain significance. Last evaluated: 2017-05-12. Review status: criteria provided, single submitter. Criteria: ACMG Guidelines, 2015. Collection method: clinical testing. Allele origin: germline.

Eurofins Ntd Llc (ga)
Classification: Likely benign. Last evaluated: 2017-04-12. Review status: criteria provided, single submitter. Criteria: EGL Classification Definitions 2015. Collection method: clinical testing. Allele origin: germline. Observed: 7 variant alleles, 6 heterozygotes, 1 homozygote.

PreventionGenetics, part of Exact Sciences
Classification: Benign. Review status: criteria provided, single submitter. Criteria: ACMG Guidelines, 2015. Collection method: clinical testing. Allele origin: germline.

Genome Diagnostics Laboratory, University Medical Center Utrecht
Classification: Likely benign. Review status: no assertion criteria provided. Collection method: clinical testing. Allele origin: germline. Affected: yes. Study: VKGL Data-share Consensus. Not counted in ClinVar's aggregate classification.

Laboratory of Diagnostic Genome Analysis, Leiden University Medical Center (LUMC)
Classification: Likely benign. Review status: no assertion criteria provided. Collection method: clinical testing. Allele origin: germline. Affected: yes. Study: VKGL Data-share Consensus. Not counted in ClinVar's aggregate classification.

NM_001378615.1(CC2D2A):c.1978G>C (p.Val660Leu)

Genes: CC2D2A (coiled-coil and C2 domain containing 2A; plus strand), FBXL5 (F-box and leucine rich repeat protein 5; minus strand). Cytogenetic location: 4p15.32.
Variant type: single nucleotide variant.
Coding change: c.1978G>C on transcript NM_001378615.1 (MANE Select); coding-DNA position 1978, G replaced by C.
Protein change: p.Val660Leu; replaces valine 660 with leucine.
Molecular consequence: missense variant.
Genome position (GRCh38, 1-based): chr4:15,538,112, G>C. VCF-style: chr4-15538112-G-C. GRCh37 (hg19) VCF-style: chr4-15539735-G-C.
Other names: p.Val660Leu; c.1978G>C, p.Val660Leu (NM_001080522.2); c.1831G>C, p.Val611Leu (NM_001378617.1); short protein forms V660L, V611L.
Identifiers: ClinVar variation 194716 (VCV000194716.58), dbSNP rs16892134, ClinGen allele CA206244.